The following is an entry in ClinVar:

ClinVar aggregate classification (germline): Uncertain significance. Review status: criteria provided, multiple submitters, no conflicts (2 of 4 stars). 3 submissions from 3 submitters: Uncertain significance (3). Last evaluated 2025-08-12.

Conditions:
Arrhythmogenic cardiomyopathy with wooly hair and keratoderma. Also called: Arrhythmogenic cardiomyopathy with woolly hair and keratoderma; PALMOPLANTAR KERATODERMA WITH LEFT VENTRICULAR CARDIOMYOPATHY AND WOOLLY HAIR; Carvajal syndrome; Dilated cardiomyopathy with woolly hair and keratoderma. Identifiers: Orphanet 65282, MedGen C1854063, MONDO:0011581, OMIM 605676.
Arrhythmogenic right ventricular dysplasia 8 (ARVD8). Also called: ARRHYTHMOGENIC RIGHT VENTRICULAR DYSPLASIA, FAMILIAL, 8; ARRHYTHMOGENIC RIGHT VENTRICULAR CARDIOMYOPATHY 8; Arrhythmogenic Right Ventricular Dysplasia/Cardiomyopathy 8. Identifiers: MedGen C1843896, MONDO:0011831, OMIM 607450.
Cardiovascular phenotype. Identifiers: MedGen CN230736.
Cardiomyopathy (CMYO). Also called: Cardiomyopathies. Identifiers: Orphanet 167848, MedGen C0878544, MONDO:0004994, HP:0001638. Inheritance: Various modes of inheritance.

Submissions (3):

Ambry Genetics
Classification: Uncertain significance for Cardiovascular phenotype. Last evaluated: 2025-08-12. Review status: criteria provided, single submitter. Criteria: Ambry Variant Classification Scheme 2023. Collection method: clinical testing. Allele origin: germline.
Comment: The p.K1466E variant (also known as c.4396A>G), located in coding exon 23 of the DSP gene, results from an A to G substitution at nucleotide position 4396. The lysine at codon 1466 is replaced by glutamic acid, an amino acid with similar properties. This amino acid position is conserved. In addition, the in silico prediction for this alteration is inconclusive. Based on the available evidence, the clinical significance of this variant remains unclear.

Color Diagnostics, LLC DBA Color Health
Classification: Uncertain significance for Cardiomyopathy. Last evaluated: 2025-07-14. Review status: criteria provided, single submitter. Criteria: ACMG Guidelines, 2015. Collection method: clinical testing. Allele origin: germline.
Comment: This missense variant replaces lysine with glutamic acid at codon 1466 of the DSP protein. Computational prediction suggests that this variant may not impact protein structure and function. To our knowledge, functional studies have not been reported for this variant. This variant has not been reported in individuals affected with DSP-related disorders in the literature. This variant has not been identified in the general population by the Genome Aggregation Database (gnomAD). The available evidence is insufficient to determine the role of this variant in disease conclusively. Therefore, this variant is classified as a Variant of Uncertain Significance.

Labcorp Genetics (formerly Invitae), Labcorp
Classification: Uncertain significance for Arrhythmogenic cardiomyopathy with wooly hair and keratoderma; Arrhythmogenic right ventricular dysplasia 8. Last evaluated: 2018-05-08. Review status: criteria provided, single submitter. Criteria: Invitae Variant Classification Sherloc (09022015). Collection method: clinical testing. Allele origin: germline.
Comment: This sequence change replaces lysine with glutamic acid at codon 1466 of the DSP protein (p.Lys1466Glu). The lysine residue is highly conserved and there is a small physicochemical difference between lysine and glutamic acid. This variant is not present in population databases (ExAC no frequency). This variant has not been reported in the literature in individuals with DSP-related disease. Algorithms developed to predict the effect of missense changes on protein structure and function do not agree on the potential impact of this missense change (SIFT: "Deleterious"; PolyPhen-2: "Benign"; Align-GVGD: "Class C0"). In summary, the available evidence is currently insufficient to determine the role of this variant in disease. Therefore, it has been classified as a Variant of Uncertain Significance.

NM_004415.4(DSP):c.4396A>G (p.Lys1466Glu)

Gene: DSP (desmoplakin; plus strand). Cytogenetic location: 6p24.3.
Variant type: single nucleotide variant.
Coding change: c.4396A>G on transcript NM_004415.4 (MANE Select); coding-DNA position 4396, A replaced by G.
Protein change: p.Lys1466Glu; replaces lysine 1466 with glutamic acid.
Molecular consequence: missense variant. On other transcripts: intron variant (2).
Genome position (GRCh38, 1-based): chr6:7,580,586, A>G. VCF-style: chr6-7580586-A-G. GRCh37 (hg19) VCF-style: chr6-7580819-A-G.
Other names: c.4396A>G (LRG_423t1); c.4050+346A>G (NM_001319034.2); c.3582+814A>G (NM_001008844.3); short protein forms K1466E.
Identifiers: ClinVar variation 566956 (VCV000566956.11), dbSNP rs1561698838, ClinGen allele CA362686218.